The following is an entry in ClinVar:

ClinVar aggregate classification (germline): Conflicting classifications of pathogenicity. Review status: criteria provided, conflicting classifications (1 of 4 stars). 2 submissions from 2 submitters: Uncertain significance (1); Likely benign (1). Last evaluated 2024-07-19.

Conditions:
Long QT syndrome (LQTS). Identifiers: MedGen C0023976, MeSH D008133, MONDO:0002442. Disease mechanism: loss of function. Inheritance: Various modes of inheritance.
Cardiovascular phenotype. Identifiers: MedGen CN230736.

Allele frequency attached by ClinVar (database versions not stated): TOPMed below 0.00001; gnomAD 0.00001; ExAC 0.00002; ESP Exome Variant Server 0.00008.
gnomAD v4.1: 7 of 1,613,738 alleles (0.00043%); highest among the groups gnomAD compares: Middle Eastern, 0.016%; no homozygotes.

Submissions (2):

Labcorp Genetics (formerly Invitae), Labcorp
Classification: Uncertain significance for Long QT syndrome. Last evaluated: 2024-07-19. Review status: criteria provided, single submitter. Criteria: Invitae Variant Classification Sherloc (09022015). Collection method: clinical testing. Allele origin: germline.
Comment: This sequence change replaces serine, which is neutral and polar, with glycine, which is neutral and non-polar, at codon 1761 of the AKAP9 protein (p.Ser1761Gly). This variant is present in population databases (rs377264390, gnomAD 0.006%). This variant has not been reported in the literature in individuals affected with AKAP9-related conditions. An algorithm developed to predict the effect of missense changes on protein structure and function (PolyPhen-2) suggests that this variant is likely to be tolerated. In summary, the available evidence is currently insufficient to determine the role of this variant in disease. Therefore, it has been classified as a Variant of Uncertain Significance.

Ambry Genetics
Classification: Likely benign for Cardiovascular phenotype. Last evaluated: 2023-12-15. Review status: criteria provided, single submitter. Criteria: Ambry Variant Classification Scheme 2023. Collection method: clinical testing. Allele origin: germline.

NM_005751.5(AKAP9):c.5281A>G (p.Ser1761Gly)

Gene: AKAP9 (A-kinase anchoring protein 9; plus strand). Cytogenetic location: 7q21.2.
Variant type: single nucleotide variant.
Coding change: c.5281A>G on transcript NM_005751.5 (MANE Select); coding-DNA position 5281, A replaced by G.
Protein change: p.Ser1761Gly; replaces serine 1761 with glycine.
Molecular consequence: missense variant.
Genome position (GRCh38, 1-based): chr7:92,045,126, A>G. VCF-style: chr7-92045126-A-G. GRCh37 (hg19) VCF-style: chr7-91674440-A-G.
Other names: c.5281A>G, p.Ser1761Gly (NM_147185.3); short protein forms S1761G.
Identifiers: ClinVar variation 3225066 (VCV003225066.3), dbSNP rs377264390, ClinGen allele CA4336762.